The following is an entry in ClinVar:

ClinVar aggregate classification (germline): Uncertain significance (1 of 4 stars; one submission).

Submission:

Labcorp Genetics (formerly Invitae), Labcorp
Classification: Uncertain significance. Last evaluated: 2024-06-16. Review status: criteria provided, single submitter. Criteria: Invitae Variant Classification Sherloc (09022015). Collection method: clinical testing. Allele origin: germline.
Comment: This sequence change replaces glycine, which is neutral and non-polar, with arginine, which is basic and polar, at codon 140 of the COL9A2 protein (p.Gly140Arg). This variant is not present in population databases (gnomAD no frequency). This variant has not been reported in the literature in individuals affected with COL9A2-related conditions. Experimental studies and prediction algorithms are not available or were not evaluated, and the functional significance of this variant is currently unknown. In summary, the available evidence is currently insufficient to determine the role of this variant in disease. Therefore, it has been classified as a Variant of Uncertain Significance.

NM_001852.4(COL9A2):c.418G>A (p.Gly140Arg)

Gene: COL9A2 (collagen type IX alpha 2 chain; minus strand). Cytogenetic location: 1p34.2.
Variant type: single nucleotide variant.
Coding change: c.418G>A on transcript NM_001852.4 (MANE Select); coding-DNA position 418, G replaced by A.
Protein change: p.Gly140Arg; replaces glycine 140 with arginine.
Molecular consequence: missense variant.
Genome position (GRCh38, 1-based): chr1:40,311,715, C>T on the plus strand (G>A on the coding strand, the complement: COL9A2 is on the minus strand). VCF-style: chr1-40311715-C-T. GRCh37 (hg19) VCF-style: chr1-40777387-C-T.
Other names: short protein forms G140R.
Identifiers: ClinVar variation 3646257 (VCV003646257.2).